The following is an entry in ClinVar:

ClinVar aggregate classification (germline): Uncertain significance (1 of 4 stars; one submission).

Submission:

CeGaT Center for Human Genetics Tuebingen
Classification: Uncertain significance. Last evaluated: 2025-05-01. Review status: criteria provided, single submitter. Criteria: CeGaT Center For Human Genetics Tuebingen Variant Classification Criteria Version 2. Collection method: clinical testing. Allele origin: germline. Affected: yes. Observed: 1 variant allele.
Comment: GATA5: PM2, PP2, PP3

NM_080473.5(GATA5):c.65T>C (p.Phe22Ser)

Gene: GATA5 (GATA binding protein 5; minus strand). Cytogenetic location: 20q13.33.
Variant type: single nucleotide variant.
Coding change: c.65T>C on transcript NM_080473.5 (MANE Select); coding-DNA position 65, T replaced by C.
Protein change: p.Phe22Ser; replaces phenylalanine 22 with serine.
Molecular consequence: missense variant.
Genome position (GRCh38, 1-based): chr20:62,475,457, A>G on the plus strand (T>C on the coding strand, the complement: GATA5 is on the minus strand). VCF-style: chr20-62475457-A-G. GRCh37 (hg19) VCF-style: chr20-61050513-A-G.
Other names: short protein forms F22S.
Identifiers: ClinVar variation 3905620 (VCV003905620.10).